The following is an entry in ClinVar:

ClinVar aggregate classification (germline): Uncertain significance (1 of 4 stars; one submission).

Conditions:
Early-infantile DEE. Also called: Ohtahara syndrome; Early infantile epileptic encephalopathy; Early infantile epileptic encephalopathy with suppression bursts. Identifiers: Orphanet 1934, MedGen C0393706, MONDO:0800491.

Allele frequency attached by ClinVar (database versions not stated): gnomAD exomes below 0.00001.
gnomAD v4.1: 1 of 1,613,746 alleles (0.000062%); highest among the groups gnomAD compares: Non-Finnish European, 0.000085%; no homozygotes.

Submission:

Labcorp Genetics (formerly Invitae), Labcorp
Classification: Uncertain significance for Early-infantile DEE. Last evaluated: 2023-10-16. Review status: criteria provided, single submitter. Criteria: Invitae Variant Classification Sherloc (09022015). Collection method: clinical testing. Allele origin: germline.
Comment: This sequence change replaces threonine, which is neutral and polar, with isoleucine, which is neutral and non-polar, at codon 723 of the SCN1A protein (p.Thr723Ile). This variant is not present in population databases (gnomAD no frequency). This variant has not been reported in the literature in individuals affected with SCN1A-related conditions. Advanced modeling of protein sequence and biophysical properties (such as structural, functional, and spatial information, amino acid conservation, physicochemical variation, residue mobility, and thermodynamic stability) performed at Invitae indicates that this missense variant is expected to disrupt SCN1A protein function. In summary, the available evidence is currently insufficient to determine the role of this variant in disease. Therefore, it has been classified as a Variant of Uncertain Significance.

NM_001165963.4(SCN1A):c.2168C>T (p.Thr723Ile)

Gene: SCN1A (sodium voltage-gated channel alpha subunit 1; minus strand). Cytogenetic location: 2q24.3.
Variant type: single nucleotide variant.
Coding change: c.2168C>T on transcript NM_001165963.4 (MANE Select); coding-DNA position 2168, C replaced by T.
Protein change: p.Thr723Ile; replaces threonine 723 with isoleucine.
Molecular consequence: missense variant. On other transcripts: 5 prime UTR variant (1), non-coding transcript variant (1).
Genome position (GRCh38, 1-based): chr2:166,042,300, G>A on the plus strand (C>T on the coding strand, the complement: SCN1A is on the minus strand). VCF-style: chr2-166042300-G-A. GRCh37 (hg19) VCF-style: chr2-166898810-G-A.
Other names: c.2084C>T, p.Thr695Ile (NM_001165964.3, NM_001353957.2, NM_001353958.2); c.2168C>T, p.Thr723Ile (NM_001202435.3, NM_001353948.2); c.2135C>T, p.Thr712Ile (NM_001353949.2, NM_001353950.2, NM_001353951.2 and 2 more transcripts); c.2132C>T, p.Thr711Ile (NM_001353954.2, NM_001353955.2); c.2081C>T, p.Thr694Ile (NM_001353960.2); c.-291C>T (NM_001353961.2); short protein forms T695I, T712I, T694I, T723I, T711I.
Identifiers: ClinVar variation 2784155 (VCV002784155.3), dbSNP rs2468140655, ClinGen allele CA349065567.